The following is an entry in ClinVar:

ClinVar aggregate classification (germline): Pathogenic. Review status: criteria provided, multiple submitters, no conflicts (2 of 4 stars). 4 submissions from 4 submitters: Pathogenic (4). Last evaluated 2026-01-04.

Conditions:
SLC39A4-related disorder. Also called: SLC39A4-related condition.
Hereditary acrodermatitis enteropathica (AEZ). Also called: Acrodermatitis enteropathica. Identifiers: Orphanet 37, MedGen C0221036, MONDO:0008713, OMIM 201100.

Allele frequency attached by ClinVar (database versions not stated): gnomAD 0.00001; gnomAD exomes 0.00001; TOPMed 0.00001; ESP Exome Variant Server 0.00015.
gnomAD v4.1: 13 of 1,582,788 alleles (0.00082%); highest among the groups gnomAD compares: Non-Finnish European, 0.0011%; no homozygotes.

Submissions (4):

Natera, Inc.
Classification: Pathogenic for Acrodermatitis enteropathica. Last evaluated: 2026-01-04. Review status: criteria provided, single submitter. Criteria: Natera Variant Classification Schema (03/2026). Collection method: clinical testing. Allele origin: germline.
Comment: The c.1203G>A variant in SLC39A4 is a nonsense variant predicted to introduce a stop codon at amino acid 401. This variant is expected to result in nonsense mediated decay, truncation, or a dysfunctional protein product. This variant is rare in the general population with a frequency below the threshold expected for the associated phenotype(s). This variant has been observed in one or more individuals affected with the associated recessive disease, as either homozygous or compound heterozygous with a second variant (PMID: 12955721). Given the available evidence, this variant is classified as Pathogenic.

Blueprint Genetics
Classification: Pathogenic for SLC39A4-related disorders. Last evaluated: 2024-08-23. Review status: criteria provided, single submitter. Criteria: ACMG Guidelines, 2015. Collection method: clinical testing. Allele origin: germline. Affected: yes. Observed: 3 variant alleles.

Fulgent Genetics
Classification: Pathogenic for Hereditary acrodermatitis enteropathica. Last evaluated: 2024-06-18. Review status: criteria provided, single submitter. Criteria: ACMG Guidelines, 2015. Collection method: clinical testing. Allele origin: germline.

Labcorp Genetics (formerly Invitae), Labcorp
Classification: Pathogenic. Last evaluated: 2023-12-27. Review status: criteria provided, single submitter. Criteria: Invitae Variant Classification Sherloc (09022015). Collection method: clinical testing. Allele origin: germline.
Comment: This sequence change creates a premature translational stop signal (p.Trp401*) in the SLC39A4 gene. It is expected to result in an absent or disrupted protein product. Loss-of-function variants in SLC39A4 are known to be pathogenic (PMID: 12955721). This variant is not present in population databases (gnomAD no frequency). This premature translational stop signal has been observed in individual(s) with acrodermatitis enteropathica (PMID: 12955721). In at least one individual the data is consistent with being in trans (on the opposite chromosome) from a pathogenic variant. ClinVar contains an entry for this variant (Variation ID: 1069887). For these reasons, this variant has been classified as Pathogenic.

Literature cited by the submitters: PubMed 12955721 (cited by Natera, Inc. and Labcorp Genetics (formerly Invitae), Labcorp).

NM_130849.4(SLC39A4):c.1203G>A (p.Trp401Ter)

Gene: SLC39A4 (solute carrier family 39 member 4; minus strand). Cytogenetic location: 8q24.3.
Variant type: single nucleotide variant.
Coding change: c.1203G>A on transcript NM_130849.4 (MANE Select); coding-DNA position 1203, G replaced by A.
Protein change: p.Trp401Ter; replaces tryptophan 401 with a stop codon.
Molecular consequence: nonsense.
Genome position (GRCh38, 1-based): chr8:144,414,042, C>T on the plus strand (G>A on the coding strand, the complement: SLC39A4 is on the minus strand). VCF-style: chr8-144414042-C-T. GRCh37 (hg19) VCF-style: chr8-145639426-C-T.
Other names: c.1203G>A (NM_130849.3); c.921G>A, p.Trp307Ter (NM_001374839.1); c.1128G>A, p.Trp376Ter (NM_017767.3); short protein forms W307*, W376*, W401*.
Identifiers: ClinVar variation 1069887 (VCV001069887.9), dbSNP rs200482978, ClinGen allele CA187646778.